The following is an entry in ClinVar:

NM_000066.4(C8B):c.1622-3T>C

Gene: C8B (complement C8 beta chain; minus strand). Cytogenetic location: 1p32.2.
Variant type: single nucleotide variant.
Coding change: c.1622-3T>C on transcript NM_000066.4 (MANE Select); 3 bases into the intron before coding-DNA position 1622, T replaced by C.
Molecular consequence: intron variant.
Genome position (GRCh38, 1-based): chr1:56,929,561, A>G on the plus strand (T>C on the coding strand, the complement: C8B is on the minus strand). VCF-style: chr1-56929561-A-G. GRCh37 (hg19) VCF-style: chr1-57395234-A-G.
Other names: c.1436-3T>C (NM_001278544.2); c.1466-3T>C (NM_001278543.2).
Identifiers: ClinVar variation 1500582 (VCV001500582.3), dbSNP rs749563397, ClinGen allele CA875562.
Genomic context (GRCh38, chr1:56,929,561, plus strand): 5'-CTTCCAGAGCATGAAGACCAATTTGACCAGCAATTCCACTTCCCATCAATGGGGGTATCT[A>G]TAAGAAAGAAGGTCAATAAGCATCAATCAGCACTTCTTATATTCTGGTGCCTTACTGGGG-3'

ClinVar aggregate classification (germline): Uncertain significance (1 of 4 stars; one submission).

Allele frequency attached by ClinVar (database versions not stated): ExAC 0.00002; gnomAD exomes 0.00002; gnomAD 0.00004 and 0.00005; TOPMed 0.00006.
gnomAD v4.1: 12 of 1,613,486 alleles (0.00074%); highest among the groups gnomAD compares: African/African-American, 0.013%; no homozygotes.

Submission:

Labcorp Genetics (formerly Invitae), Labcorp
Classification: Uncertain significance. Last evaluated: 2022-07-25. Review status: criteria provided, single submitter. Criteria: Invitae Variant Classification Sherloc (09022015). Collection method: clinical testing. Allele origin: germline.
Comment: This sequence change falls in intron 11 of the C8B gene. It does not directly change the encoded amino acid sequence of the C8B protein. It affects a nucleotide within the consensus splice site. This variant is present in population databases (rs749563397, gnomAD 0.03%). This variant has not been reported in the literature in individuals affected with C8B-related conditions. ClinVar contains an entry for this variant (Variation ID: 1500582). Variants that disrupt the consensus splice site are a relatively common cause of aberrant splicing (PMID: 17576681, 9536098). Algorithms developed to predict the effect of sequence changes on RNA splicing suggest that this variant is not likely to affect RNA splicing. In summary, the available evidence is currently insufficient to determine the role of this variant in disease. Therefore, it has been classified as a Variant of Uncertain Significance.

Literature cited by the submitters: PubMed 17576681; PubMed 9536098.